The following is an entry in ClinVar:

NM_004168.4(SDHA):c.456+4A>T

Gene: SDHA (succinate dehydrogenase complex flavoprotein subunit A; plus strand). Cytogenetic location: 5p15.33.
Variant type: single nucleotide variant.
Coding change: c.456+4A>T on transcript NM_004168.4 (MANE Select); 4 bases into the intron after coding-DNA position 456, A replaced by T.
Molecular consequence: intron variant.
Genome position (GRCh38, 1-based): chr5:225,566, A>T. VCF-style: chr5-225566-A-T. GRCh37 (hg19) VCF-style: chr5-225681-A-T.
Other names: c.456+4A>T (NM_001330758.2); c.313-317A>T (NM_001294332.2).
Identifiers: ClinVar variation 2032871 (VCV002032871.4), dbSNP rs2477296095, ClinGen allele CA2578252878.

ClinVar aggregate classification (germline): Uncertain significance (1 of 4 stars; one submission).

Conditions:
Pheochromocytoma/paraganglioma syndrome 5. Also called: Paragangliomas 5; SDHA-Related Hereditary Paraganglioma-Pheochromocytoma Syndrome. Identifiers: Orphanet 29072, MedGen C3279992, MONDO:0013602, OMIM 614165.
Mitochondrial complex II deficiency, nuclear type 1. Also called: SUCCINATE CoQ REDUCTASE DEFICIENCY. Identifiers: Orphanet 3208, MedGen C5700310, MONDO:0100294, OMIM 252011.

gnomAD v4.1: 5 of 1,613,804 alleles (0.00031%); highest among the groups gnomAD compares: Non-Finnish European, 0.00042%; no homozygotes.

Submission:

Labcorp Genetics (formerly Invitae), Labcorp
Classification: Uncertain significance for Pheochromocytoma/paraganglioma syndrome 5; Mitochondrial complex II deficiency, nuclear type 1. Last evaluated: 2022-10-04. Review status: criteria provided, single submitter. Criteria: Invitae Variant Classification Sherloc (09022015). Collection method: clinical testing. Allele origin: germline.
Comment: Variants that disrupt the consensus splice site are a relatively common cause of aberrant splicing (PMID: 17576681, 9536098). Algorithms developed to predict the effect of sequence changes on RNA splicing suggest that this variant may disrupt the consensus splice site. In summary, the available evidence is currently insufficient to determine the role of this variant in disease. Therefore, it has been classified as a Variant of Uncertain Significance. This variant has not been reported in the literature in individuals affected with SDHA-related conditions. This variant is not present in population databases (gnomAD no frequency). This sequence change falls in intron 4 of the SDHA gene. It does not directly change the encoded amino acid sequence of the SDHA protein. It affects a nucleotide within the consensus splice site.

Literature cited by the submitters: PubMed 17576681; PubMed 9536098.